The following is an entry in ClinVar:

NM_006509.4(RELB):c.1724G>A (p.Gly575Glu)

Gene: RELB (RELB proto-oncogene, NF-kB subunit; plus strand). Cytogenetic location: 19q13.32.
Variant type: single nucleotide variant.
Coding change: c.1724G>A on transcript NM_006509.4 (MANE Select); coding-DNA position 1724, G replaced by A.
Protein change: p.Gly575Glu; replaces glycine 575 with glutamic acid.
Molecular consequence: missense variant.
Genome position (GRCh38, 1-based): chr19:45,037,774, G>A. VCF-style: chr19-45037774-G-A. GRCh37 (hg19) VCF-style: chr19-45541032-G-A.
Other names: c.1715G>A, p.Gly572Glu (NM_001411087.1); short protein forms G572E, G575E.
Identifiers: ClinVar variation 3622313 (VCV003622313.2).

ClinVar aggregate classification (germline): Uncertain significance (1 of 4 stars; one submission).

gnomAD v4.1: 1 of 1,486,074 alleles (0.000067%); highest among the groups gnomAD compares: Non-Finnish European, 0.000089%; no homozygotes.

Submission:

Labcorp Genetics (formerly Invitae), Labcorp
Classification: Uncertain significance. Last evaluated: 2024-02-17. Review status: criteria provided, single submitter. Criteria: Invitae Variant Classification Sherloc (09022015). Collection method: clinical testing. Allele origin: germline.
Comment: This sequence change replaces glycine, which is neutral and non-polar, with glutamic acid, which is acidic and polar, at codon 575 of the RELB protein (p.Gly575Glu). This variant is not present in population databases (gnomAD no frequency). This variant has not been reported in the literature in individuals affected with RELB-related conditions. An algorithm developed to predict the effect of missense changes on protein structure and function (PolyPhen-2) suggests that this variant is likely to be disruptive. In summary, the available evidence is currently insufficient to determine the role of this variant in disease. Therefore, it has been classified as a Variant of Uncertain Significance.